The following is an entry in ClinVar:

NM_001039141.3(TRIOBP):c.2521C>T (p.Arg841Ter)

Gene: TRIOBP (TRIO and F-actin binding protein; plus strand). Cytogenetic location: 22q13.1.
Variant type: single nucleotide variant.
Coding change: c.2521C>T on transcript NM_001039141.3 (MANE Select); coding-DNA position 2521, C replaced by T.
Protein change: p.Arg841Ter; replaces arginine 841 with a stop codon.
Molecular consequence: nonsense.
Genome position (GRCh38, 1-based): chr22:37,725,077, C>T. VCF-style: chr22-37725077-C-T. GRCh37 (hg19) VCF-style: chr22-38121084-C-T.
Other names: short protein forms R841*.
Identifiers: ClinVar variation 3776333 (VCV003776333.2).

ClinVar aggregate classification (germline): Pathogenic. Review status: criteria provided, multiple submitters, no conflicts (2 of 4 stars). 2 submissions from 2 submitters: Pathogenic (2). Last evaluated 2026-08-03.

Conditions:
Autosomal recessive nonsyndromic hearing loss 28. Identifiers: Orphanet 90636, MedGen C1853276, MONDO:0012355, OMIM 609823.

gnomAD v4.1: 21 of 1,614,094 alleles (0.0013%); highest among the groups gnomAD compares: Middle Eastern, 0.016%; no homozygotes.

Submissions (2):

Genelabs Medical  (pvt) Ltd
Classification: Pathogenic for Autosomal recessive nonsyndromic hearing loss 28. Last evaluated: 2026-08-03. Review status: criteria provided, single submitter. Criteria: ACMG Guidelines, 2015. Collection method: clinical testing. Allele origin: germline. Inheritance: Autosomal recessive inheritance. Affected: no. Observed: 1 heterozygote.
Comment: The p.Arg841Ter stop gained variant is observed in 1/6,084 (0.016%) alleles from individuals of Middle Eastern background in gnomAD (v.4.1.0). This variant is predicted to cause loss of normal protein function through protein truncation. This variant is a stop gained variant which occurs in an exon of TRIOBP upstream of where nonsense mediated decay is predicted to occur. There are 47 downstream pathogenic loss of function variants, with the furthest variant being 1359 residues downstream of this variant. This indicates that the region is critical to protein function. The p.Arg841Ter variant is a loss of function variant in the gene TRIOBP, which is intolerant of Loss of Function variants, as indicated by the presence of existing pathogenic loss of function variant NP_001034230.1:p.I17Tfs*13 and 54 others. This variant was identified in the homozygous state in an affected individual from a multiplex family, supporting its potential pathogenicity in a recessive inheritance pattern (PMID:27344577). For these reasons, this variant has been classified as Pathogenic. (PVS1, PM2_Supporting, PM3)

GeneDx
Classification: Pathogenic. Last evaluated: 2024-10-03. Review status: criteria provided, single submitter. Criteria: GeneDx Variant Classification Process June 2021. Collection method: clinical testing. Allele origin: germline. Affected: yes.
Comment: Nonsense variant predicted to result in protein truncation or nonsense mediated decay in a gene for which loss of function is a known mechanism of disease; Not observed at significant frequency in large population cohorts (gnomAD); This variant is associated with the following publications: (PMID: 27344577)

Literature cited by the submitters: PubMed 27344577 (cited by Genelabs Medical  (pvt) Ltd).